The following is an entry in ClinVar:

NM_004035.7(ACOX1):c.796G>A (p.Val266Met)

Gene: ACOX1 (acyl-CoA oxidase 1; minus strand). Cytogenetic location: 17q25.1.
Variant type: single nucleotide variant.
Coding change: c.796G>A on transcript NM_004035.7 (MANE Select); coding-DNA position 796, G replaced by A.
Protein change: p.Val266Met; replaces valine 266 with methionine.
Molecular consequence: missense variant.
Genome position (GRCh38, 1-based): chr17:75,953,599, C>T on the plus strand (G>A on the coding strand, the complement: ACOX1 is on the minus strand). VCF-style: chr17-75953599-C-T. GRCh37 (hg19) VCF-style: chr17-73949680-C-T.
Other names: c.682G>A, p.Val228Met (NM_001185039.2); c.796G>A, p.Val266Met (NM_007292.6); short protein forms V266M, V228M.
Identifiers: ClinVar variation 2187048 (VCV002187048.5), dbSNP rs145971170, ClinGen allele CA8776913.

ClinVar aggregate classification (germline): Conflicting classifications of pathogenicity. Review status: criteria provided, conflicting classifications (1 of 4 stars). 2 submissions from 2 submitters: Uncertain significance (1); Likely benign (1). Last evaluated 2025-06-22.

Conditions:
Mitchell syndrome. Identifiers: Orphanet 631248, MedGen C5394554, MONDO:0030073, OMIM 618960.
Acyl-CoA oxidase deficiency. Also called: STRAIGHT-CHAIN ACYL-CoA OXIDASE DEFICIENCY; Pseudoneonatal adrenoleukodystrophy; Peroxisomal acyl-CoA oxidase deficiency. Identifiers: Orphanet 2971, MedGen C1849678, MONDO:0009919, OMIM 264470. Disease mechanism: loss of function.

Allele frequency attached by ClinVar (database versions not stated): gnomAD exomes 0.00001; ExAC 0.00006; TOPMed 0.00011; ESP Exome Variant Server 0.00015; 1000 Genomes Project 30x 0.00016; gnomAD 0.00019; 1000 Genomes Project 0.00020.
gnomAD v4.1: 50 of 1,614,128 alleles (0.0031%); highest among the groups gnomAD compares: African/African-American, 0.044%; no homozygotes.

Submissions (2):

Labcorp Genetics (formerly Invitae), Labcorp
Classification: Uncertain significance for Acyl-CoA oxidase deficiency. Last evaluated: 2025-06-22. Review status: criteria provided, single submitter. Criteria: Invitae Variant Classification Sherloc (09022015). Collection method: clinical testing. Allele origin: germline.
Comment: This sequence change replaces valine, which is neutral and non-polar, with methionine, which is neutral and non-polar, at codon 266 of the ACOX1 protein (p.Val266Met). This variant is present in population databases (rs145971170, gnomAD 0.05%). This variant has not been reported in the literature in individuals affected with ACOX1-related conditions. ClinVar contains an entry for this variant (Variation ID: 2187048). Invitae Evidence Modeling of protein sequence and biophysical properties (such as structural, functional, and spatial information, amino acid conservation, physicochemical variation, residue mobility, and thermodynamic stability) indicates that this missense variant is not expected to disrupt ACOX1 protein function with a negative predictive value of 80%. In summary, the available evidence is currently insufficient to determine the role of this variant in disease. Therefore, it has been classified as a Variant of Uncertain Significance.

Dr.Nikuei Genetic Center
Classification: Likely benign for Mitchell syndrome. Last evaluated: 2024-06-27. Review status: criteria provided, single submitter. Criteria: ACMG Guidelines, 2015. Collection method: clinical testing. Allele origin: germline. Affected: no.